The following is an entry in ClinVar:

NM_002049.4(GATA1):c.1203dup (p.Thr402fs)

Gene: GATA1 (GATA binding protein 1; plus strand). Cytogenetic location: Xp11.23.
Variant type: Duplication.
Coding change: c.1203dup on transcript NM_002049.4 (MANE Select); coding-DNA position 1203, one base duplicated (C; older notation c.1203dupC).
Protein change: p.Thr402fs; shifts the reading frame from threonine 402.
Molecular consequence: frameshift variant.
Genome position (GRCh38, 1-based): chrX:48,794,125, C duplicated; the last of 6 consecutive C bases (chrX:48,794,120-48,794,125); duplicating any one gives the same sequence. VCF-style (leftmost placement, unchanged base first): chrX-48794119-G-GC. GRCh37 (hg19) VCF-style: chrX-48652526-G-GC.
Other names: short protein forms T402fs.
Identifiers: ClinVar variation 4792009 (VCV004792009.1).

ClinVar aggregate classification (germline): Uncertain significance (1 of 4 stars; one submission).

Conditions:
Diamond-Blackfan anemia. Also called: Blackfan Diamond syndrome; Aregenerative anemia chronic congenital; Red cell aplasia, pure hereditary; Congenital hypoplastic anemia; Aase syndrome. Identifiers: Orphanet 124, MedGen C1260899, MeSH D029503, MONDO:0015253, HP:0004810.
GATA binding protein 1 related thrombocytopenia with dyserythropoiesis. Also called: GATA1-Related Cytopenia; GATA1-Related X-Linked Cytopenia. Identifiers: MedGen C1845837, MONDO:0100089.

Submission:

Labcorp Genetics (formerly Invitae), Labcorp
Classification: Uncertain significance for GATA binding protein 1 related thrombocytopenia with dyserythropoiesis; Diamond-Blackfan anemia. Last evaluated: 2025-11-09. Review status: criteria provided, single submitter. Criteria: Invitae Variant Classification Sherloc (09022015). Collection method: clinical testing. Allele origin: germline.
Comment: This sequence change is expected to alter the c-terminus of the GATA1 protein (p.Thr402Hisfs*48). While this is not anticipated to result in nonsense mediated decay, it is expected to disrupt the last 12 amino acid(s) of the GATA1 protein and extend the protein by 35 additional amino acid residues. This variant is not present in population databases (gnomAD no frequency). This variant has not been reported in the literature in individuals affected with GATA1-related conditions. Experimental studies and prediction algorithms are not available or were not evaluated, and the functional significance of this variant is currently unknown. In summary, the available evidence is currently insufficient to determine the role of this variant in disease. Therefore, it has been classified as a Variant of Uncertain Significance.